The following is an entry in ClinVar:

NM_080680.3(COL11A2):c.5168G>A (p.Arg1723Lys)

Gene: COL11A2 (collagen type XI alpha 2 chain; minus strand). Cytogenetic location: 6p21.32.
Variant type: single nucleotide variant.
Coding change: c.5168G>A on transcript NM_080680.3 (MANE Select); coding-DNA position 5168, G replaced by A.
Protein change: p.Arg1723Lys; replaces arginine 1723 with lysine.
Molecular consequence: missense variant.
Genome position (GRCh38, 1-based): chr6:33,163,721, C>T on the plus strand (G>A on the coding strand, the complement: COL11A2 is on the minus strand). VCF-style: chr6-33163721-C-T. GRCh37 (hg19) VCF-style: chr6-33131498-C-T.
Other names: c.4847G>A, p.Arg1616Lys (NM_080679.3); c.4910G>A, p.Arg1637Lys (NM_080681.3); c.5168G>A (NM_080680.2); short protein forms R1637K, R1723K, R1616K.
Identifiers: ClinVar variation 1939697 (VCV001939697.6), dbSNP rs912572166, ClinGen allele CA137061108.

ClinVar aggregate classification (germline): Conflicting classifications of pathogenicity. Review status: criteria provided, conflicting classifications (1 of 4 stars). 2 submissions from 2 submitters: Uncertain significance (1); Likely benign (1). Last evaluated 2025-02-18.

Allele frequency attached by ClinVar (database versions not stated): gnomAD exomes below 0.00001; gnomAD 0.00001; TOPMed 0.00001.
gnomAD v4.1: 7 of 1,613,014 alleles (0.00043%); highest among the groups gnomAD compares: Non-Finnish European, 0.00051%; no homozygotes.

Submissions (2):

GeneDx
Classification: Uncertain significance. Last evaluated: 2025-02-18. Review status: criteria provided, single submitter. Criteria: GeneDx Variant Classification Process June 2021. Collection method: clinical testing. Allele origin: germline. Affected: yes.
Comment: Not observed at significant frequency in large population cohorts (gnomAD); In silico analysis indicates that this missense variant does not alter protein structure/function; Has not been previously published as pathogenic or benign to our knowledge

Labcorp Genetics (formerly Invitae), Labcorp
Classification: Likely benign. Last evaluated: 2023-10-23. Review status: criteria provided, single submitter. Criteria: Invitae Variant Classification Sherloc (09022015). Collection method: clinical testing. Allele origin: germline.